The following is an entry in ClinVar:

NM_003873.7(NRP1):c.2066A>G (p.Asp689Gly)

Gene: NRP1 (neuropilin 1; minus strand). Cytogenetic location: 10p11.22.
Variant type: single nucleotide variant.
Coding change: c.2066A>G on transcript NM_003873.7 (MANE Select); coding-DNA position 2066, A replaced by G.
Protein change: p.Asp689Gly; replaces aspartic acid 689 with glycine.
Molecular consequence: missense variant. On other transcripts: non-coding transcript variant (1).
Genome position (GRCh38, 1-based): chr10:33,186,485, T>C on the plus strand (A>G on the coding strand, the complement: NRP1 is on the minus strand). VCF-style: chr10-33186485-T-C. GRCh37 (hg19) VCF-style: chr10-33475413-T-C.
Other names: c.2048A>G, p.Asp683Gly (NM_001244972.2); c.2045A>G, p.Asp682Gly (NM_001244973.2); c.2066A>G, p.Asp689Gly (NM_001330068.2); short protein forms D682G, D689G, D683G.
Identifiers: ClinVar variation 4997068 (VCV004997068.1).

ClinVar aggregate classification (germline): Uncertain significance (1 of 4 stars; one submission).

Conditions:
NRP1-related disorder. Also called: NRP1-related condition.

Submission:

PreventionGenetics, part of Exact Sciences
Classification: Uncertain significance for NRP1-related condition. Last evaluated: 2026-09-02. Review status: criteria provided, single submitter. Criteria: ACMG Guidelines, 2015. Collection method: clinical testing. Allele origin: germline.
Comment: The NRP1 c.2066A>G variant is predicted to result in the amino acid substitution p.Asp689Gly. To our knowledge, this variant has not been reported in the literature or in a large population database (gnomAD), indicating this variant is rare. At this time, the clinical significance of this variant is uncertain due to the absence of conclusive functional and genetic evidence.